The following is an entry in ClinVar:

ClinVar aggregate classification (germline): Benign (0 of 4 stars; one submission).

Conditions:
FSIP2-related disorder. Also called: FSIP2-related condition.

Allele frequency attached by ClinVar (database versions not stated): ExAC 0.00427; gnomAD 0.02967; TOPMed 0.03401; 1000 Genomes Project 0.03954; 1000 Genomes Project 30x 0.04107.

Submission:

PreventionGenetics, part of Exact Sciences
Classification: Benign for FSIP2-related condition. Last evaluated: 2024-05-15. Review status: no assertion criteria provided. Collection method: clinical testing. Allele origin: germline.
Comment: This variant is classified as benign based on ACMG/AMP sequence variant interpretation guidelines (Richards et al. 2015 PMID: 25741868, with internal and published modifications).

NM_173651.4(FSIP2):c.9313G>C (p.Glu3105Gln)

Genes: FSIP2 (fibrous sheath interacting protein 2; plus strand), FSIP2-AS1 (FSIP2 antisense RNA 1; minus strand). Cytogenetic location: 2q32.1.
Variant type: single nucleotide variant.
Coding change: c.9313G>C on transcript NM_173651.4 (MANE Select); coding-DNA position 9313, G replaced by C.
Protein change: p.Glu3105Gln; replaces glutamic acid 3105 with glutamine.
Molecular consequence: missense variant.
Genome position (GRCh38, 1-based): chr2:185,796,449, G>C. VCF-style: chr2-185796449-G-C. GRCh37 (hg19) VCF-style: chr2-186661176-G-C.
Other names: short protein forms E3105Q.
Identifiers: ClinVar variation 3037770 (VCV003037770.2), dbSNP rs73045076, ClinGen allele CA2016859.
Genomic context (GRCh38, chr2:185,796,449, plus strand): 5'-ATCATCAGTGACATGCTTGCTGTAATTAAGAACAAGCTAGACAACGAAATAAGCCAAATG[G>C]AACCATCTTCAATTAGCATATTGAAAGAGAACATTGTAGCAAGTGAGATCATTGGCACAC-3'
Protein context (NP_775922.3, residues 3095-3115): NKLDNEISQM[Glu3105Gln]PSSISILKEN